The following is an entry in ClinVar:

NM_006648.4(WNK2):c.6599C>A (p.Ala2200Asp)

Gene: WNK2 (WNK lysine deficient protein kinase 2; plus strand). Cytogenetic location: 9q22.31.
Variant type: single nucleotide variant.
Coding change: c.6599C>A on transcript NM_006648.4 (MANE Select); coding-DNA position 6599, C replaced by A.
Protein change: p.Ala2200Asp; replaces alanine 2200 with aspartic acid.
Molecular consequence: missense variant.
Genome position (GRCh38, 1-based): chr9:93,317,602, C>A. VCF-style: chr9-93317602-C-A. GRCh37 (hg19) VCF-style: chr9-96079884-C-A.
Other names: c.6710C>A, p.Ala2237Asp (NM_001282394.3); short protein forms A2200D, A2237D.
Identifiers: ClinVar variation 3981734 (VCV003981734.1).

ClinVar aggregate classification (germline): Uncertain significance (1 of 4 stars; one submission).

gnomAD v4.1: 1 of 1,613,092 alleles (0.000062%); highest among the groups gnomAD compares: Admixed American, 0.0017%; no homozygotes.

Submission:

Ambry Genetics
Classification: Uncertain significance. Last evaluated: 2025-03-27. Review status: criteria provided, single submitter. Criteria: Ambry Variant Classification Scheme 2023. Collection method: clinical testing. Allele origin: germline.
Comment: The p.A2200D variant (also known as c.6599C>A), located in coding exon 28 of the WNK2 gene, results from a C to A substitution at nucleotide position 6599. The alanine at codon 2200 is replaced by aspartic acid, an amino acid with dissimilar properties. This amino acid position is conserved. In addition, this alteration is predicted to be tolerated by in silico analysis. Based on the available evidence, the clinical significance of this variant remains unclear.